The following is an entry in ClinVar:

ClinVar aggregate classification (germline): Benign/Likely benign. Review status: criteria provided, multiple submitters, no conflicts (2 of 4 stars). 3 submissions from 3 submitters: Benign (1); Likely benign (2). Last evaluated 2026-01-01.

Allele frequency attached by ClinVar (database versions not stated): gnomAD exomes 0.00004 and 0.00008; ExAC 0.00013; 1000 Genomes Project 30x 0.00031; 1000 Genomes Project 0.00040; gnomAD 0.00057 and 0.00058; TOPMed 0.00061; ESP Exome Variant Server 0.00077.
gnomAD v4.1: 146 of 1,606,812 alleles (0.0091%); highest among the groups gnomAD compares: African/African-American, 0.19%; 1 homozygote.

Submissions (3):

Labcorp Genetics (formerly Invitae), Labcorp
Classification: Likely benign. Last evaluated: 2026-01-01. Review status: criteria provided, single submitter. Criteria: Invitae Variant Classification Sherloc (09022015). Collection method: clinical testing. Allele origin: germline.

Blueprint Genetics
Classification: Likely benign. Last evaluated: 2022-10-20. Review status: criteria provided, single submitter. Criteria: ACMG Guidelines, 2015. Collection method: clinical testing. Allele origin: germline.

GeneDx
Classification: Benign. Last evaluated: 2011-07-18. Review status: criteria provided, single submitter. Criteria: GeneDx Variant Classification (06012015). Collection method: clinical testing. Allele origin: germline. Affected: yes.
Comment: This variant is considered likely benign or benign based on one or more of the following criteria: it is a conservative change, it occurs at a poorly conserved position in the protein, it is predicted to be benign by multiple in silico algorithms, and/or has population frequency not consistent with disease.

NM_001142800.2(EYS):c.1599+13T>C

Gene: EYS (EGF-like photoreceptor maintenance factor; minus strand). Cytogenetic location: 6q12.
Variant type: single nucleotide variant.
Coding change: c.1599+13T>C on transcript NM_001142800.2 (MANE Select); 13 bases into the intron after coding-DNA position 1599, T replaced by C.
Molecular consequence: intron variant.
Genome position (GRCh38, 1-based): chr6:65,344,025, A>G on the plus strand (T>C on the coding strand, the complement: EYS is on the minus strand). VCF-style: chr6-65344025-A-G. GRCh37 (hg19) VCF-style: chr6-66053918-A-G.
Other names: c.1599+13T>C (NM_001292009.2, NM_001142801.2, NM_198283.2 and 1 more transcripts).
Identifiers: ClinVar variation 137264 (VCV000137264.11), dbSNP rs182876572, ClinGen allele CA290797.
Genomic context (GRCh38, chr6:65,344,025, plus strand): 5'-TCTAACTTTCTAAAAATCAGACAATTACAAGCTAAAGAGAAAAATGAAAAGCAACTACAT[A>G]AAATTACCTTACCTCTTTTGTGCCTTCATGTGGGAACCAACATGAAGAATTATTATCTTC-3'